The following is an entry in ClinVar:

NM_001287.6(CLCN7):c.1642G>A (p.Ala548Thr)

Gene: CLCN7 (Cl-/H+ antiporter 7; minus strand). Cytogenetic location: 16p13.3.
Variant type: single nucleotide variant.
Coding change: c.1642G>A on transcript NM_001287.6 (MANE Select); coding-DNA position 1642, G replaced by A.
Protein change: p.Ala548Thr; replaces alanine 548 with threonine.
Molecular consequence: missense variant.
Genome position (GRCh38, 1-based): chr16:1,449,303, C>T on the plus strand (G>A on the coding strand, the complement: CLCN7 is on the minus strand). VCF-style: chr16-1449303-C-T. GRCh37 (hg19) VCF-style: chr16-1499304-C-T.
Other names: c.1570G>A, p.Ala524Thr (NM_001114331.3); short protein forms A524T, A548T.
Identifiers: ClinVar variation 2804489 (VCV002804489.3), dbSNP rs1237646633, ClinGen allele CA394187114.

ClinVar aggregate classification (germline): Uncertain significance (1 of 4 stars; one submission).

Allele frequency attached by ClinVar (database versions not stated): gnomAD 0.00001; gnomAD exomes 0.00001; TOPMed below 0.00001.
gnomAD v4.1: 10 of 1,588,398 alleles (0.00063%); highest among the groups gnomAD compares: South Asian, 0.0034%; no homozygotes.

Submission:

Labcorp Genetics (formerly Invitae), Labcorp
Classification: Uncertain significance. Last evaluated: 2025-05-26. Review status: criteria provided, single submitter. Criteria: Invitae Variant Classification Sherloc (09022015). Collection method: clinical testing. Allele origin: germline.
Comment: This sequence change replaces alanine, which is neutral and non-polar, with threonine, which is neutral and polar, at codon 548 of the CLCN7 protein (p.Ala548Thr). The frequency data for this variant in the population databases is considered unreliable, as metrics indicate poor data quality at this position in the gnomAD database. This variant has not been reported in the literature in individuals affected with CLCN7-related conditions. ClinVar contains an entry for this variant (Variation ID: 2804489). Invitae Evidence Modeling of protein sequence and biophysical properties (such as structural, functional, and spatial information, amino acid conservation, physicochemical variation, residue mobility, and thermodynamic stability) indicates that this missense variant is expected to disrupt CLCN7 protein function with a positive predictive value of 95%. In summary, the available evidence is currently insufficient to determine the role of this variant in disease. Therefore, it has been classified as a Variant of Uncertain Significance.